The following is an entry in ClinVar:

ClinVar aggregate classification (germline): Likely pathogenic (1 of 4 stars; one submission).

Conditions:
Adams-Oliver syndrome 2 (AOS2). Identifiers: Orphanet 974, MedGen C3280182, MONDO:0013635, OMIM 614219.

Submission:

Juno Genomics, Hangzhou Juno Genomics, Inc
Classification: Likely pathogenic for Adams-Oliver syndrome 2. Review status: criteria provided, single submitter. Criteria: ACMG Guidelines, 2015. Collection method: clinical testing. Allele origin: germline.
Comment: Null variant in a gene where loss of function (LOF) is a known mechanism of disease.;Absent from controls (or at extremely low frequency if recessive) in Genome Aggregation Database.

NM_020812.4(DOCK6):c.3623dup (p.Thr1209fs)

Genes: DOCK6 (dedicator of cytokinesis 6; minus strand), DOCK6-AS1 (DOCK6 antisense RNA 1; plus strand). Cytogenetic location: 19p13.2.
Variant type: Duplication.
Coding change: c.3623dup on transcript NM_020812.4 (MANE Select); coding-DNA position 3623, one base duplicated (G; older notation c.3623dupG).
Protein change: p.Thr1209fs; shifts the reading frame from threonine 1209.
Molecular consequence: frameshift variant.
Genome position (GRCh38, 1-based): chr19:11,217,319, C duplicated on the plus strand (G on the coding strand, the reverse complement: DOCK6 is on the minus strand); the first of 3 consecutive C bases (chr19:11,217,319-11,217,321); duplicating any one gives the same sequence. VCF-style (leftmost placement, unchanged base first): chr19-11217318-A-AC. GRCh37 (hg19) VCF-style: chr19-11327994-A-AC.
Other names: c.3728dup, p.Thr1244fs (NM_001367830.1); short protein forms T1209fs, T1244fs.
Identifiers: ClinVar variation 5005918 (VCV005005918.2).